The following is an entry in ClinVar:

ClinVar aggregate classification (germline): Uncertain significance (1 of 4 stars; one submission).

Submission:

Ambry Genetics
Classification: Uncertain significance. Last evaluated: 2024-03-27. Review status: criteria provided, single submitter. Criteria: Ambry Variant Classification Scheme 2023. Collection method: clinical testing. Allele origin: germline.
Comment: The p.D294G variant (also known as c.881A>G), located in coding exon 9 of the BUB1 gene, results from an A to G substitution at nucleotide position 881. The aspartic acid at codon 294 is replaced by glycine, an amino acid with similar properties. This amino acid position is conserved. In addition, this alteration is predicted to be tolerated by in silico analysis. Based on the available evidence, the clinical significance of this alteration remains unclear.

NM_004336.5(BUB1):c.881A>G (p.Asp294Gly)

Gene: BUB1 (BUB1 mitotic checkpoint serine/threonine kinase; minus strand). Cytogenetic location: 2q13.
Variant type: single nucleotide variant.
Coding change: c.881A>G on transcript NM_004336.5 (MANE Select); coding-DNA position 881, A replaced by G.
Protein change: p.Asp294Gly; replaces aspartic acid 294 with glycine.
Molecular consequence: missense variant.
Genome position (GRCh38, 1-based): chr2:110,666,339, T>C on the plus strand (A>G on the coding strand, the complement: BUB1 is on the minus strand). VCF-style: chr2-110666339-T-C. GRCh37 (hg19) VCF-style: chr2-111423916-T-C.
Other names: c.821A>G, p.Asp274Gly (NM_001278616.2); c.881A>G, p.Asp294Gly (NM_001278617.2); short protein forms D294G, D274G.
Identifiers: ClinVar variation 3262128 (VCV003262128.1).